The following is an entry in ClinVar:

ClinVar aggregate classification (germline): Likely benign. Review status: criteria provided, multiple submitters, no conflicts (2 of 4 stars). 5 submissions from 5 submitters: Likely benign (5). Last evaluated 2025-12-17.

Conditions:
FH-related disorder. Also called: FH-related condition; FH-related disorders.
Hereditary cancer-predisposing syndrome. Also called: Neoplastic Syndromes, Hereditary; Tumor predisposition; Hereditary Cancer Syndrome; Hereditary neoplastic syndrome. Identifiers: Orphanet 140162, MedGen C0027672, MeSH D009386, MONDO:0015356.
Hereditary leiomyomatosis and renal cell cancer. Also called: FH tumor predisposition syndrome; LEIOMYOMA, MULTIPLE CUTANEOUS; MULTIPLE CUTANEOUS AND UTERINE LEIOMYOMATA 1, WITH OR WITHOUT RENAL CELL CARCINOMA; Reed syndrome; Multiple cutaneous and uterine leiomyomatosis; Cutaneous leiomyomata with uterine leiomyomata. Identifiers: Orphanet 523, MedGen C1708350, MONDO:0007888, OMIM 150800, HP:0007437. Disease mechanism: loss of function.

Allele frequency attached by ClinVar (database versions not stated): gnomAD exomes below 0.00001; gnomAD 0.00001; TOPMed 0.00002.
gnomAD v4.1: 6 of 1,612,314 alleles (0.00037%); highest among the groups gnomAD compares: Admixed American, 0.0017%; no homozygotes.

Submissions (5):

Ambry Genetics
Classification: Likely benign for Hereditary cancer-predisposing syndrome. Last evaluated: 2025-12-17. Review status: criteria provided, single submitter. Criteria: Ambry Variant Classification Scheme 2023. Collection method: clinical testing. Allele origin: germline.

Labcorp Genetics (formerly Invitae), Labcorp
Classification: Likely benign. Last evaluated: 2025-11-10. Review status: criteria provided, single submitter. Criteria: Invitae Variant Classification Sherloc (09022015). Collection method: clinical testing. Allele origin: germline.

Quest Diagnostics Nichols Institute San Juan Capistrano
Classification: Likely benign. Last evaluated: 2024-12-06. Review status: criteria provided, single submitter. Criteria: Quest Diagnostics criteria. Collection method: clinical testing. Allele origin: unknown.

PreventionGenetics, part of Exact Sciences
Classification: Likely benign for FH-related condition. Last evaluated: 2024-12-03. Review status: criteria provided, single submitter. Criteria: ACMG Guidelines, 2015. Collection method: clinical testing. Allele origin: germline.
Comment: This variant is classified as likely benign based on ACMG/AMP sequence variant interpretation guidelines (Richards et al. 2015 PMID: 25741868, with internal and published modifications).

Myriad Genetics, Inc.
Classification: Likely benign for Hereditary leiomyomatosis and renal cell cancer. Last evaluated: 2024-10-18. Review status: criteria provided, single submitter. Criteria: Myriad Autosomal Dominant, Autosomal Recessive and X-Linked Classification Criteria (2023). Collection method: clinical testing. Allele origin: unknown.
Comment: This variant is considered likely benign. This variant is intronic and is not expected to impact mRNA splicing.

NM_000143.4(FH):c.556-5A>G

Gene: FH (fumarate hydratase; minus strand). Cytogenetic location: 1q43.
Variant type: single nucleotide variant.
Coding change: c.556-5A>G on transcript NM_000143.4 (MANE Select); 5 bases into the intron before coding-DNA position 556, A replaced by G.
Molecular consequence: intron variant.
Genome position (GRCh38, 1-based): chr1:241,508,790, T>C on the plus strand (A>G on the coding strand, the complement: FH is on the minus strand). VCF-style: chr1-241508790-T-C. GRCh37 (hg19) VCF-style: chr1-241672090-T-C.
Identifiers: ClinVar variation 405906 (VCV000405906.15), dbSNP rs1060500892, ClinGen allele CA16610043.